The following is an entry in ClinVar:

NM_005633.4(SOS1):c.3552T>G (p.Pro1184=)

Gene: SOS1 (SOS Ras/Rac guanine nucleotide exchange factor 1; minus strand). Cytogenetic location: 2p22.1.
Variant type: single nucleotide variant.
Coding change: c.3552T>G on transcript NM_005633.4 (MANE Select); coding-DNA position 3552, T replaced by G.
Protein change: p.Pro1184=; no amino-acid change (proline 1184 retained).
Molecular consequence: synonymous variant.
Genome position (GRCh38, 1-based): chr2:38,986,274, A>C on the plus strand (T>G on the coding strand, the complement: SOS1 is on the minus strand). VCF-style: chr2-38986274-A-C. GRCh37 (hg19) VCF-style: chr2-39213415-A-C.
Other names: NM_005633.3(SOS1):c.3552T>G; c.3531T>G, p.Pro1177= (NM_001382394.1); c.3507T>G, p.Pro1169= (NM_001382395.1).
Identifiers: ClinVar variation 448939 (VCV000448939.22), dbSNP rs200485215, ClinGen allele CA1624148.

ClinVar aggregate classification (germline): Benign. Review status: reviewed by expert panel (3 of 4 stars). 8 submissions from 8 submitters: Benign (1). 7 of the submissions do not count toward it. Last evaluated 2017-04-18.

Conditions:
SOS1-related disorder. Also called: SOS1-related condition.
Cardiovascular phenotype. Identifiers: MedGen CN230736.
Noonan syndrome and Noonan-related syndrome. Identifiers: Orphanet 98733, MedGen C5681679, MONDO:0020297.
RASopathy. Also called: Noonan spectrum disorder; rasopathies. Identifiers: Orphanet 536391, MedGen C5555857, MONDO:0021060.

Allele frequency attached by ClinVar (database versions not stated): gnomAD 0.00001 and 0.00002; TOPMed 0.00003; gnomAD exomes 0.00004 and 0.00011; ExAC 0.00014; 1000 Genomes Project 30x 0.00016; 1000 Genomes Project 0.00020.
gnomAD v4.1: 59 of 1,613,558 alleles (0.0037%); highest among the groups gnomAD compares: East Asian, 0.1%; no homozygotes.

Submissions (8):

ClinGen RASopathy Variant Curation Expert Panel
Classification: Benign for Noonan syndrome and Noonan-related syndrome. Last evaluated: 2017-04-18. Review status: reviewed by expert panel. Criteria: ClinGen RASopathy ACMG Specifications v1. Collection method: curation. Allele origin: germline. Inheritance: Autosomal dominant inheritance.
Comment: The filtering allele frequency of the c.3552T>G (p.Pro1184=) variant in the SOS1 gene is 0.126% (17/8594) of East Asian chromosomes by the Exome Aggregation Consortium, which is a high enough frequency to be classified as benign based on thresholds defined by the ClinGen RASopathy Expert Panel (BA1; PMID:29493581)

Labcorp Genetics (formerly Invitae), Labcorp
Classification: Benign for RASopathy. Last evaluated: 2025-12-10. Review status: criteria provided, single submitter. Criteria: Invitae Variant Classification Sherloc (09022015). Collection method: clinical testing. Allele origin: germline. Not counted in ClinVar's aggregate classification.

Women's Health and Genetics/Laboratory Corporation of America, LabCorp
Classification: Benign. Last evaluated: 2022-05-07. Review status: criteria provided, single submitter. Criteria: LabCorp Variant Classification Summary - May 2015. Collection method: clinical testing. Allele origin: germline. Not counted in ClinVar's aggregate classification.

Blueprint Genetics
Classification: Likely benign. Last evaluated: 2021-09-01. Review status: criteria provided, single submitter. Criteria: ACMG Guidelines, 2015. Collection method: clinical testing. Allele origin: germline. Not counted in ClinVar's aggregate classification.

GeneDx
Classification: Likely benign. Last evaluated: 2021-04-24. Review status: criteria provided, single submitter. Criteria: GeneDx Variant Classification Process June 2021. Collection method: clinical testing. Allele origin: germline. Affected: yes. Not counted in ClinVar's aggregate classification.

Genome Diagnostics Laboratory, The Hospital for Sick Children
Classification: Benign for Noonan syndrome and Noonan-related syndrome. Last evaluated: 2020-07-01. Review status: criteria provided, single submitter. Criteria: ACMG Guidelines, 2015. Collection method: clinical testing. Allele origin: germline. Not counted in ClinVar's aggregate classification.

Ambry Genetics
Classification: Likely benign for Cardiovascular phenotype. Last evaluated: 2019-12-04. Review status: criteria provided, single submitter. Criteria: Ambry Variant Classification Scheme 2023. Collection method: clinical testing. Allele origin: germline. Not counted in ClinVar's aggregate classification.

PreventionGenetics, part of Exact Sciences
Classification: Likely benign for SOS1-related condition. Last evaluated: 2021-09-17. Review status: no assertion criteria provided. Collection method: clinical testing. Allele origin: germline. Not counted in ClinVar's aggregate classification.
Comment: This variant is classified as likely benign based on ACMG/AMP sequence variant interpretation guidelines (Richards et al. 2015 PMID: 25741868, with internal and published modifications).